The following is an entry in ClinVar:

ClinVar aggregate classification (germline): Uncertain significance. Review status: criteria provided, multiple submitters, no conflicts (2 of 4 stars). 2 submissions from 2 submitters: Uncertain significance (2). Last evaluated 2024-06-02.

Conditions:
Inborn genetic diseases. Identifiers: MedGen C0950123, MeSH D030342.

Allele frequency attached by ClinVar (database versions not stated): gnomAD exomes 0.00001.
gnomAD v4.1: 5 of 1,611,374 alleles (0.00031%); highest among the groups gnomAD compares: Non-Finnish European, 0.00042%; no homozygotes.

Submissions (2):

Labcorp Genetics (formerly Invitae), Labcorp
Classification: Uncertain significance. Last evaluated: 2024-06-02. Review status: criteria provided, single submitter. Criteria: Invitae Variant Classification Sherloc (09022015). Collection method: clinical testing. Allele origin: germline.
Comment: This sequence change replaces proline, which is neutral and non-polar, with serine, which is neutral and polar, at codon 2417 of the BPTF protein (p.Pro2417Ser). This variant is not present in population databases (gnomAD no frequency). This variant has not been reported in the literature in individuals affected with BPTF-related conditions. ClinVar contains an entry for this variant (Variation ID: 2396021). An algorithm developed to predict the effect of missense changes on protein structure and function (PolyPhen-2) suggests that this variant is likely to be tolerated. In summary, the available evidence is currently insufficient to determine the role of this variant in disease. Therefore, it has been classified as a Variant of Uncertain Significance.

Ambry Genetics
Classification: Uncertain significance for Inborn genetic diseases. Last evaluated: 2022-10-12. Review status: criteria provided, single submitter. Criteria: Ambry Variant Classification Scheme 2023. Collection method: clinical testing. Allele origin: germline.

NM_182641.4(BPTF):c.6871C>T (p.Pro2291Ser)

Gene: BPTF (bromodomain PHD finger transcription factor; plus strand). Cytogenetic location: 17q24.2.
Variant type: single nucleotide variant.
Coding change: c.6871C>T on transcript NM_182641.4 (MANE Select); coding-DNA position 6871, C replaced by T.
Protein change: p.Pro2291Ser; replaces proline 2291 with serine.
Molecular consequence: missense variant.
Genome position (GRCh38, 1-based): chr17:67,945,579, C>T. VCF-style: chr17-67945579-C-T. GRCh37 (hg19) VCF-style: chr17-65941695-C-T.
Other names: c.7249C>T, p.Pro2417Ser (NM_004459.7); short protein forms P2291S, P2417S.
Identifiers: ClinVar variation 2396021 (VCV002396021.4), dbSNP rs2512527595, ClinGen allele CA400723757.